The following is an entry in ClinVar:

ClinVar aggregate classification (germline): Benign. Review status: criteria provided, single submitter (1 of 4 stars). 2 submissions from 2 submitters: Benign (1). 1 of the submissions does not count toward it. Last evaluated 2025-12-03.

Conditions:
MED13L-related disorder. Also called: MED13L-related condition.
Dextro-looped transposition of the great arteries. Also called: Dextrotransposition of the great arteries. Identifiers: Orphanet 860, MedGen C3531771, MONDO:0019443, OMIM 608808, HP:0031348.

Allele frequency attached by ClinVar (database versions not stated): gnomAD exomes 0.00005 and 0.00020; gnomAD 0.00011 and 0.00012; TOPMed 0.00011; 1000 Genomes Project 0.00020; ExAC 0.00022; 1000 Genomes Project 30x 0.00031.
gnomAD v4.1: 92 of 1,614,158 alleles (0.0057%); highest among the groups gnomAD compares: East Asian, 0.15%; 1 homozygote.

Submissions (2):

Labcorp Genetics (formerly Invitae), Labcorp
Classification: Benign for Dextro-looped transposition of the great arteries. Last evaluated: 2025-12-03. Review status: criteria provided, single submitter. Criteria: Invitae Variant Classification Sherloc (09022015). Collection method: clinical testing. Allele origin: germline.

PreventionGenetics, part of Exact Sciences
Classification: Likely benign for MED13L-related condition. Last evaluated: 2019-02-22. Review status: no assertion criteria provided. Collection method: clinical testing. Allele origin: germline. Not counted in ClinVar's aggregate classification.
Comment: This variant is classified as likely benign based on ACMG/AMP sequence variant interpretation guidelines (Richards et al. 2015 PMID: 25741868, with internal and published modifications).

NM_015335.5(MED13L):c.4767G>A (p.Ser1589=)

Gene: MED13L (mediator complex subunit 13L; minus strand). Cytogenetic location: 12q24.21.
Variant type: single nucleotide variant.
Coding change: c.4767G>A on transcript NM_015335.5 (MANE Select); coding-DNA position 4767, G replaced by A.
Protein change: p.Ser1589=; no amino-acid change (serine 1589 retained).
Molecular consequence: synonymous variant.
Genome position (GRCh38, 1-based): chr12:115,983,305, C>T on the plus strand (G>A on the coding strand, the complement: MED13L is on the minus strand). VCF-style: chr12-115983305-C-T. GRCh37 (hg19) VCF-style: chr12-116421110-C-T.
Identifiers: ClinVar variation 699415 (VCV000699415.10), dbSNP rs573917510, ClinGen allele CA6810729.